The following is an entry in ClinVar:

ClinVar aggregate classification (germline): Uncertain significance (1 of 4 stars; one submission).

Submission:

Genetic Services Laboratory, University of Chicago
Classification: Uncertain significance. Last evaluated: 2020-08-04. Review status: criteria provided, single submitter. Criteria: ACMG Guidelines, 2015. Collection method: clinical testing. Allele origin: germline. Affected: no.
Comment: DNA sequence analysis of the TFG gene demonstrated a 3 base pair deletion in exon 3, c.264_266del. This in-frame deletion is predicted to result in the deletion of one amino acid residue, p.Leu88del. This sequence change does not appear to have been previously described in patients with TFG-related disorders and has also not been described in population databases (gnomAD, ExAC). The p.Leu88del change is located in a domain of the TFG protein that is known to be functional. Due to the limited availability of information, the functional significance of this sequence change is not known at present and its contribution to a disease phenotype cannot definitively be determined.

NM_006070.6(TFG):c.261ATT[1] (p.Leu88del)

Gene: TFG (trafficking from ER to golgi regulator; plus strand). Cytogenetic location: 3q12.2.
Variant type: Microsatellite.
Coding change: c.261ATT[1] on transcript NM_006070.6 (MANE Select); one copy of the 3-base unit ATT starting at c.261; the reference has two copies in a row; one copy, 3 bases deleted.
Protein change: p.Leu88del; deletes leucine 88.
Molecular consequence: inframe deletion.
Genome position (GRCh38, 1-based): chr3:100,720,054-100,720,056, ATT deleted; deleting any 3 consecutive bases within chr3:100,720,051-100,720,056 gives the same sequence; the position shown is the placement nearest the transcript's 3' end. VCF-style (leftmost placement, unchanged base first): chr3-100720050-CATT-C. GRCh37 (hg19) VCF-style: chr3-100438894-CATT-C.
Other names: c.261ATT[1], p.Leu88del (NM_001007565.2, NM_001195478.2, NM_001195479.2); short protein forms L88del.
Identifiers: ClinVar variation 1334805 (VCV001334805.4), dbSNP rs2149066467, ClinGen allele CA2580616523.